The following is an entry in ClinVar:

ClinVar aggregate classification (germline): Benign/Likely benign. Review status: criteria provided, multiple submitters, no conflicts (2 of 4 stars). 4 submissions from 4 submitters: Benign (1); Likely benign (3). Last evaluated 2024-11-17.

Conditions:
Inborn genetic diseases. Identifiers: MedGen C0950123, MeSH D030342.

Allele frequency attached by ClinVar (database versions not stated): gnomAD 0.00005 and 0.00006; TOPMed 0.00005; gnomAD exomes 0.00013 and 0.00017; ExAC 0.00021.
gnomAD v4.1: 189 of 1,613,932 alleles (0.012%); highest among the groups gnomAD compares: South Asian, 0.11%; no homozygotes.

Submissions (5):

Labcorp Genetics (formerly Invitae), Labcorp
Classification: Benign. Last evaluated: 2024-11-17. Review status: criteria provided, single submitter. Criteria: Invitae Variant Classification Sherloc (09022015). Collection method: clinical testing. Allele origin: germline.

Blueprint Genetics
Classification: Likely benign. Last evaluated: 2024-05-29. Review status: criteria provided, single submitter. Criteria: ACMG Guidelines, 2015. Collection method: clinical testing. Allele origin: germline.

CeGaT Center for Human Genetics Tuebingen
Classification: Likely benign. Last evaluated: 2023-03-01. Review status: criteria provided, single submitter. Criteria: CeGaT Center For Human Genetics Tuebingen Variant Classification Criteria Version 2. Collection method: clinical testing. Allele origin: germline. Affected: yes. Observed: 1 variant allele.
Comment: ARID1B: BP4, BP7, BS1

Ambry Genetics
Classification: Likely benign for Inborn genetic diseases. Last evaluated: 2016-08-19. Review status: criteria provided, single submitter. Criteria: Ambry Variant Classification Scheme 2023. Collection method: clinical testing. Allele origin: germline.

Dr. Peter K. Rogan Lab, Western University
No classification provided (evidence only). Condition: Gastric cancer. Review status: no classification provided. Collection method: in vitro. Allele origin: not applicable. Functional consequence: retained intron. Not counted in ClinVar's aggregate classification.

NM_001374828.1(ARID1B):c.2280G>A (p.Thr760=)

Gene: ARID1B (AT-rich interaction domain 1B; plus strand). Cytogenetic location: 6q25.3.
Variant type: single nucleotide variant.
Coding change: c.2280G>A on transcript NM_001374828.1 (MANE Select); coding-DNA position 2280, G replaced by A.
Protein change: p.Thr760=; no amino-acid change (threonine 760 retained).
Molecular consequence: synonymous variant. On other transcripts: 5 prime UTR variant (1).
Genome position (GRCh38, 1-based): chr6:157,084,694, G>A. VCF-style: chr6-157084694-G-A. GRCh37 (hg19) VCF-style: chr6-157405828-G-A.
Other names: c.-220G>A (NM_001363725.2); c.2319G>A, p.Thr773= (NM_001371656.1, NM_001374820.1); c.2280G>A, p.Thr760= (NM_017519.3); c.2070G>A, p.Thr690= (NM_020732.3).
Identifiers: ClinVar variation 588184 (VCV000588184.35), dbSNP rs201290874, ClinGen allele CA4067009.